The following is an entry in ClinVar:

ClinVar aggregate classification (germline): Uncertain significance (1 of 4 stars; one submission).

Conditions:
Glycosylphosphatidylinositol biosynthesis defect 18. Also called: DEVELOPMENTAL AND EPILEPTIC ENCEPHALOPATHY 95. Identifiers: MedGen C4748357, MONDO:0029140, OMIM 618143.

gnomAD v4.1: 2 of 1,613,766 alleles (0.00012%); highest among the groups gnomAD compares: East Asian, 0.0045%; no homozygotes.

Submission:

Juno Genomics, Hangzhou Juno Genomics, Inc
Classification: Uncertain significance for Glycosylphosphatidylinositol biosynthesis defect 18. Review status: criteria provided, single submitter. Criteria: ACMG Guidelines, 2015. Collection method: clinical testing. Allele origin: germline.
Comment: Absent from controls (or at extremely low frequency if recessive) in Genome Aggregation Database.;Multiple lines of computational evidence support a deleterious effect on the gene or gene product.

NM_033198.4(PIGS):c.935-6C>G

Gene: PIGS (phosphatidylinositol glycan anchor biosynthesis class S; minus strand). Cytogenetic location: 17q11.2.
Variant type: single nucleotide variant.
Coding change: c.935-6C>G on transcript NM_033198.4 (MANE Select); 6 bases into the intron before coding-DNA position 935, C replaced by G.
Molecular consequence: intron variant.
Genome position (GRCh38, 1-based): chr17:28,556,978, G>C on the plus strand (C>G on the coding strand, the complement: PIGS is on the minus strand). VCF-style: chr17-28556978-G-C. GRCh37 (hg19) VCF-style: chr17-26883996-G-C.
Identifiers: ClinVar variation 5005720 (VCV005005720.2).
Genomic context (GRCh38, chr17:28,556,978, plus strand): 5'-TCAGGCACGTAGAGTAGAAAGTTGAGCACAGGGTACAAGGAGGCAGCACTGGATCCTGTG[G>C]TATAAAGGGAAAGCAGAATATCAAAACATGCTGGACCTGGACCTTAGTCCCAGGTCGGCC-3'